The following is an entry in ClinVar:

NM_004304.5(ALK):c.2782T>G (p.Cys928Gly)

Gene: ALK (ALK receptor tyrosine kinase; minus strand). Cytogenetic location: 2p23.2.
Variant type: single nucleotide variant.
Coding change: c.2782T>G on transcript NM_004304.5 (MANE Select); coding-DNA position 2782, T replaced by G.
Protein change: p.Cys928Gly; replaces cysteine 928 with glycine.
Molecular consequence: missense variant.
Genome position (GRCh38, 1-based): chr2:29,228,917, A>C on the plus strand (T>G on the coding strand, the complement: ALK is on the minus strand). VCF-style: chr2-29228917-A-C. GRCh37 (hg19) VCF-style: chr2-29451783-A-C.
Other names: short protein forms C928G.
Identifiers: ClinVar variation 1795956 (VCV001795956.3), dbSNP rs1664096277, ClinGen allele CA346469553.

ClinVar aggregate classification (germline): Uncertain significance (1 of 4 stars; one submission).

Conditions:
Hereditary cancer-predisposing syndrome. Also called: Tumor predisposition; Hereditary Cancer Syndrome; Neoplastic Syndromes, Hereditary; Hereditary neoplastic syndrome. Identifiers: Orphanet 140162, MedGen C0027672, MeSH D009386, MONDO:0015356.

Submission:

Ambry Genetics
Classification: Uncertain significance for Hereditary cancer-predisposing syndrome. Last evaluated: 2024-12-12. Review status: criteria provided, single submitter. Criteria: Ambry Variant Classification Scheme 2023. Collection method: clinical testing. Allele origin: germline.
Comment: The p.C928G variant (also known as c.2782T>G), located in coding exon 16 of the ALK gene, results from a T to G substitution at nucleotide position 2782. The cysteine at codon 928 is replaced by glycine, an amino acid with highly dissimilar properties. This amino acid position is conserved. In addition, the in silico prediction for this alteration is inconclusive. Since supporting evidence is limited at this time, the clinical significance of this alteration remains unclear.